The following is an entry in ClinVar:

ClinVar aggregate classification (germline): Uncertain significance (1 of 4 stars; one submission).

Conditions:
Microphthalmia, isolated, with coloboma 6 (MCOPCB6). Also called: Microphthalmia with coloboma 6, digenic; Microphthalmia with coloboma 6; MICROPHTHALMIA/COLOBOMA 6. Identifiers: Orphanet 98938, MedGen C3150968, MONDO:0013376, OMIM 613703.
Leber congenital amaurosis 17 (LCA17). Identifiers: Orphanet 65, MedGen C3715164, MONDO:0014145, OMIM 615360.
Klippel-Feil syndrome 1, autosomal dominant (KFS1). Also called: CERVICAL VERTEBRAL FUSION, AUTOSOMAL DOMINANT. Identifiers: Orphanet 2345, MedGen C1861689, MONDO:0007306, OMIM 118100.
Isolated microphthalmia 4. Identifiers: Orphanet 2542, MedGen C2751307, MONDO:0013130, OMIM 613094.

Allele frequency attached by ClinVar (database versions not stated): gnomAD exomes 0.00001; TOPMed 0.00001.
gnomAD v4.1: 4 of 1,614,186 alleles (0.00025%); highest among the groups gnomAD compares: Non-Finnish European, 0.00025%; no homozygotes.

Submission:

Labcorp Genetics (formerly Invitae), Labcorp
Classification: Uncertain significance for Isolated microphthalmia 4; Leber congenital amaurosis 17; Klippel-Feil syndrome 1, autosomal dominant; Microphthalmia, isolated, with coloboma 6. Last evaluated: 2023-02-02. Review status: criteria provided, single submitter. Criteria: Invitae Variant Classification Sherloc (09022015). Collection method: clinical testing. Allele origin: germline.
Comment: Advanced modeling of protein sequence and biophysical properties (such as structural, functional, and spatial information, amino acid conservation, physicochemical variation, residue mobility, and thermodynamic stability) performed at Invitae indicates that this missense variant is expected to disrupt GDF6 protein function. In summary, the available evidence is currently insufficient to determine the role of this variant in disease. Therefore, it has been classified as a Variant of Uncertain Significance. This sequence change replaces threonine, which is neutral and polar, with methionine, which is neutral and non-polar, at codon 405 of the GDF6 protein (p.Thr405Met). This variant is not present in population databases (gnomAD no frequency). This variant has not been reported in the literature in individuals affected with GDF6-related conditions.

NM_001001557.4(GDF6):c.1214C>T (p.Thr405Met)

Gene: GDF6 (growth differentiation factor 6; minus strand). Cytogenetic location: 8q22.1.
Variant type: single nucleotide variant.
Coding change: c.1214C>T on transcript NM_001001557.4 (MANE Select); coding-DNA position 1214, C replaced by T.
Protein change: p.Thr405Met; replaces threonine 405 with methionine.
Molecular consequence: missense variant.
Genome position (GRCh38, 1-based): chr8:96,144,717, G>A on the plus strand (C>T on the coding strand, the complement: GDF6 is on the minus strand). VCF-style: chr8-96144717-G-A. GRCh37 (hg19) VCF-style: chr8-97156945-G-A.
Other names: short protein forms T405M.
Identifiers: ClinVar variation 2924320 (VCV002924320.3), dbSNP rs1812440627, ClinGen allele CA371749856.